The following is an entry in ClinVar:

ClinVar aggregate classification (germline): Uncertain significance (1 of 4 stars; one submission).

Submission:

GeneDx
Classification: Uncertain significance. Last evaluated: 2024-06-30. Review status: criteria provided, single submitter. Criteria: GeneDx Variant Classification Process June 2021. Collection method: clinical testing. Allele origin: germline. Affected: yes.
Comment: Not observed at significant frequency in large population cohorts (gnomAD); In silico analysis indicates that this missense variant does not alter protein structure/function; Has not been previously published as pathogenic or benign to our knowledge

NM_032482.3(DOT1L):c.2232C>G (p.Asp744Glu)

Gene: DOT1L (DOT1 like histone lysine methyltransferase; plus strand). Cytogenetic location: 19p13.3.
Variant type: single nucleotide variant.
Coding change: c.2232C>G on transcript NM_032482.3 (MANE Select); coding-DNA position 2232, C replaced by G.
Protein change: p.Asp744Glu; replaces aspartic acid 744 with glutamic acid.
Molecular consequence: missense variant.
Genome position (GRCh38, 1-based): chr19:2,216,589, C>G. VCF-style: chr19-2216589-C-G. GRCh37 (hg19) VCF-style: chr19-2216588-C-G.
Other names: c.2232C>G, p.Asp744Glu (NM_001411141.1); short protein forms D744E.
Identifiers: ClinVar variation 3393588 (VCV003393588.1).